The following is an entry in ClinVar:

NC_000002.12:g.(?_214767472)_(214781519_?)dup

Gene: BARD1 (BRCA1 associated RING domain 1; minus strand). Cytogenetic location: 2q35.
Variant type: Duplication.
Identifiers: ClinVar variation 830728 (VCV000830728.3).

ClinVar aggregate classification (germline): Likely pathogenic (1 of 4 stars; one submission).

Conditions:
Familial cancer of breast. Also called: BREAST CANCER, FAMILIAL; Hereditary breast cancer; hereditary breast carcinoma. Identifiers: Orphanet 227535, MedGen C0346153, MONDO:0016419, OMIM 114480. Disease mechanism: loss of function.

Submission:

Labcorp Genetics (formerly Invitae), Labcorp
Classification: Likely pathogenic for Familial cancer of breast. Last evaluated: 2021-10-13. Review status: criteria provided, single submitter. Criteria: Invitae Variant Classification Sherloc (09022015). Collection method: clinical testing. Allele origin: germline.
Comment: This variant results in a copy number gain of the genomic region encompassing exons 4-6 of the BARD1 gene. While the exact position of this variant cannot be determined from this data, sub-genic copy number gains are generally in tandem (PMID: 25640679) and may result in an absent or disrupted protein product. This variant has not been reported in the literature in individuals with BARD1-related disease. Loss-of-function variants in BARD1 are known to be pathogenic (PMID: 20077502, 21344236). In summary, the currently available evidence indicates that the variant is pathogenic, but additional data are needed to prove that conclusively. Therefore, this variant has been classified as Likely Pathogenic.

Literature cited by the submitters: PubMed 25640679; PubMed 20077502; PubMed 21344236.